The following is an entry in ClinVar:

ClinVar aggregate classification (germline): Pathogenic. Review status: criteria provided, multiple submitters, no conflicts (2 of 4 stars). 8 submissions from 8 submitters: Pathogenic (6). 2 of the submissions do not count toward it. Last evaluated 2023-08-01.

Conditions:
CLCN4-related disorder. Identifiers: MedGen CN232948.
Intellectual disability, X-linked 49 (MRXSRC). Also called: CLCN4-related X-linked intellectual disability syndrome; RAYNAUD-CLAES SYNDROME; MENTAL RETARDATION, X-LINKED 15; MRX49; CLCN4-Related Neurodevelopmental Disorder. Identifiers: Orphanet 485350, Orphanet 777, MedGen C0796221, MONDO:0010250, OMIM 300114.

Submissions (8):

3billion
Classification: Pathogenic for Intellectual disability, X-linked 49. Last evaluated: 2023-08-01. Review status: criteria provided, single submitter. Criteria: ACMG Guidelines, 2015. Collection method: clinical testing. Allele origin: germline. Affected: yes.
Comment: The variant is not observed in the gnomAD v2.1.1 dataset. Predicted Consequence/Location: Missense changes are a common disease-causing mechanism. In silico tool predictions suggest damaging effect of the variant on gene or gene product (REVEL: 0.87 (>=0.6, sensitivity 0.68 and specificity 0.92); 3Cnet: 0.63 (>=0.6, sensitivity 0.72 and precision 0.9)). Same nucleotide change resulting in same amino acid change has been previously reported as pathogenic/likely pathogenic with strong evidence (ClinVar ID: VCV000209116 /PMID: 26633542 /3billion dataset). The variant has been previously reported as de novo in a similarly affected individual (PMID: 26633542). Therefore, this variant is classified as Pathogenic according to the recommendation of ACMG/AMP guideline.

Labcorp Genetics (formerly Invitae), Labcorp
Classification: Pathogenic. Last evaluated: 2023-05-31. Review status: criteria provided, single submitter. Criteria: Invitae Variant Classification Sherloc (09022015). Collection method: clinical testing. Allele origin: germline.
Comment: For these reasons, this variant has been classified as Pathogenic. This variant is not present in population databases (gnomAD no frequency). This missense change has been observed in individual(s) with CLCN4-related disease (PMID: 26633542, 27550844, 29314583). In at least one individual the variant was observed to be de novo. This variant is also known as p.R624W. This sequence change replaces arginine, which is basic and polar, with tryptophan, which is neutral and slightly polar, at codon 718 of the CLCN4 protein (p.Arg718Trp). ClinVar contains an entry for this variant (Variation ID: 209116). Advanced modeling of protein sequence and biophysical properties (such as structural, functional, and spatial information, amino acid conservation, physicochemical variation, residue mobility, and thermodynamic stability) performed at Invitae indicates that this missense variant is expected to disrupt CLCN4 protein function. Experimental studies have shown that this missense change affects CLCN4 function (PMID: 27550844).

Gene2Care/ Palmer Lab, University of New South Wales
Classification: Pathogenic for Intellectual disability, X-linked 49. Last evaluated: 2022-05-27. Review status: criteria provided, single submitter. Criteria: ACMG Guidelines, 2015. Collection method: clinical testing. Allele origin: germline. Affected: yes.

Laboratory of Medical Genetics, National & Kapodistrian University of Athens
Classification: Pathogenic for Intellectual disability, X-linked 49. Last evaluated: 2021-08-10. Review status: criteria provided, single submitter. Criteria: ACMG Guidelines, 2015. Collection method: clinical testing. Allele origin: de novo. Affected: yes.
Comment: PM1, PM2, PP2, PP3, PP5

Genetic Services Laboratory, University of Chicago
Classification: Pathogenic. Last evaluated: 2018-02-01. Review status: criteria provided, single submitter. Criteria: ACMG Guidelines, 2015. Collection method: clinical testing. Allele origin: germline. Affected: yes.

Sydney Children's Hospital, SCHN
Classification: Pathogenic for CLCN4-related disorder. Last evaluated: 2016-03-22. Review status: criteria provided, single submitter. Criteria: Submitter's publication. Collection method: clinical testing. Allele origin: de novo. Inheritance: Sporadic. Affected: yes. Observed: 1 variant allele, 1 heterozygote.
Comment: De novo variant. Clinical phenotype consistent with case series of individuals with CLCN4 related disorder.

OMIM
Classification: Pathogenic for RAYNAUD-CLAES SYNDROME. Last evaluated: 2018-11-07. Review status: no assertion criteria provided. Collection method: literature only. Allele origin: germline. Not counted in ClinVar's aggregate classification.

Laboratorio de Genetica e Diagnostico Molecular, Hospital Israelita Albert Einstein
Classification: Uncertain significance. Last evaluated: 2020-02-03. Review status: flagged submission. Criteria: ACMG Guidelines, 2015. Collection method: clinical testing. Allele origin: germline. Affected: yes. Not counted in ClinVar's aggregate classification.
Comment: ACMG classification criteria: PM2, PP2, PP5
ClinVar note: Reason: Outlier claim with insufficient supporting evidence

Literature cited by the submitters: PubMed 26633542 (cited by 3billion and Labcorp Genetics (formerly Invitae), Labcorp); PubMed 27550844 (cited by Labcorp Genetics (formerly Invitae), Labcorp and OMIM); PubMed 29314583 (cited by Labcorp Genetics (formerly Invitae), Labcorp).

NM_001830.4(CLCN4):c.2152C>T (p.Arg718Trp)

Gene: CLCN4 (Cl-/H+ antiporter 4; plus strand). Cytogenetic location: Xp22.2.
Variant type: single nucleotide variant.
Coding change: c.2152C>T on transcript NM_001830.4 (MANE Select); coding-DNA position 2152, C replaced by T.
Protein change: p.Arg718Trp; replaces arginine 718 with tryptophan.
Molecular consequence: missense variant.
Genome position (GRCh38, 1-based): chrX:10,220,837, C>T. VCF-style: chrX-10220837-C-T. GRCh37 (hg19) VCF-style: chrX-10188877-C-T.
Other names: c.1870C>T, p.Arg624Trp (NM_001256944.2); short protein forms R718W, R624W.
Identifiers: ClinVar variation 209116 (VCV000209116.42), dbSNP rs879255584, ClinGen allele CA10575780.